The following is an entry in ClinVar:

ClinVar aggregate classification (germline): Uncertain significance (1 of 4 stars; one submission).

Conditions:
Immunodeficiency, common variable, 1. Also called: ANTIBODY DEFICIENCY DUE TO ICOS DEFECT. Identifiers: Orphanet 1572, Orphanet 695183, MedGen C3149378, MONDO:0011864, OMIM 607594.

Allele frequency attached by ClinVar (database versions not stated): TOPMed below 0.00001; gnomAD exomes below 0.00001.

Submission:

Labcorp Genetics (formerly Invitae), Labcorp
Classification: Uncertain significance for Immunodeficiency, common variable, 1. Last evaluated: 2019-05-29. Review status: criteria provided, single submitter. Criteria: Invitae Variant Classification Sherloc (09022015). Collection method: clinical testing. Allele origin: germline.
Comment: In summary, the available evidence is currently insufficient to determine the role of this variant in disease. Therefore, it has been classified as a Variant of Uncertain Significance. Algorithms developed to predict the effect of missense changes on protein structure and function output the following: SIFT: "Tolerated"; PolyPhen-2: "Benign"; Align-GVGD: "Class C0". The phenylalanine amino acid residue is found in multiple mammalian species, suggesting that this missense change does not adversely affect protein function. These predictions have not been confirmed by published functional studies and their clinical significance is uncertain. This variant has not been reported in the literature in individuals with ICOS-related conditions. This variant is not present in population databases (ExAC no frequency). This sequence change replaces leucine with phenylalanine at codon 5 of the ICOS protein (p.Leu5Phe). The leucine residue is moderately conserved and there is a small physicochemical difference between leucine and phenylalanine.

NM_012092.4(ICOS):c.13C>T (p.Leu5Phe)

Gene: ICOS (inducible T cell costimulator; plus strand). Cytogenetic location: 2q33.2.
Variant type: single nucleotide variant.
Coding change: c.13C>T on transcript NM_012092.4 (MANE Select); coding-DNA position 13, C replaced by T.
Protein change: p.Leu5Phe; replaces leucine 5 with phenylalanine.
Molecular consequence: missense variant.
Genome position (GRCh38, 1-based): chr2:203,936,827, C>T. VCF-style: chr2-203936827-C-T. GRCh37 (hg19) VCF-style: chr2-204801550-C-T.
Other names: short protein forms L5F.
Identifiers: ClinVar variation 940529 (VCV000940529.9), dbSNP rs1689659275, ClinGen allele CA350139428.
Genomic context (GRCh38, chr2:203,936,827, plus strand): 5'-TCAGCTTTGAACACTGAACGCGAGGACTGTTAACTGTTTCTGGCAAACATGAAGTCAGGC[C>T]TCTGGTATTTCTTTCTCTTCTGCTTGCGCATTAAAGTTTTAACAGGTAAGTGGTGTATTG-3'
Protein context (NP_036224.1, residues 1-15): MKSG[Leu5Phe]WYFFLFCLRI